The following is an entry in ClinVar:

NM_000388.4(CASR):c.1405T>G (p.Phe469Val)

Gene: CASR (calcium sensing receptor; plus strand). Cytogenetic location: 3q21.1.
Variant type: single nucleotide variant.
Coding change: c.1405T>G on transcript NM_000388.4 (MANE Select); coding-DNA position 1405, T replaced by G.
Protein change: p.Phe469Val; replaces phenylalanine 469 with valine.
Molecular consequence: missense variant.
Genome position (GRCh38, 1-based): chr3:122,275,839, T>G. VCF-style: chr3-122275839-T-G. GRCh37 (hg19) VCF-style: chr3-121994686-T-G.
Other names: c.1405T>G, p.Phe469Val (NM_001178065.2); short protein forms F469V.
Identifiers: ClinVar variation 1771896 (VCV001771896.5), dbSNP rs575371072, ClinGen allele CA354154874.

ClinVar aggregate classification (germline): Uncertain significance. Review status: criteria provided, multiple submitters, no conflicts (2 of 4 stars). 2 submissions from 2 submitters: Uncertain significance (2). Last evaluated 2023-03-03.

Conditions:
Familial hypocalciuric hypercalcemia (FHH). Also called: Familial benign hypercalcemia. Identifiers: Orphanet 405, MedGen C1809471, MONDO:0018458.
Autosomal dominant hypocalcemia 1 (HYPOC1). Also called: HYPOCALCEMIA, FAMILIAL. Identifiers: MedGen C3715128, MONDO:0011013, OMIM 601198.
Nephrolithiasis/nephrocalcinosis. Identifiers: MedGen CN580796.

Submissions (2):

Labcorp Genetics (formerly Invitae), Labcorp
Classification: Uncertain significance for Familial hypocalciuric hypercalcemia; Autosomal dominant hypocalcemia 1. Last evaluated: 2023-03-03. Review status: criteria provided, single submitter. Criteria: Invitae Variant Classification Sherloc (09022015). Collection method: clinical testing. Allele origin: germline.
Comment: This variant is not present in population databases (gnomAD no frequency). This sequence change replaces phenylalanine, which is neutral and non-polar, with valine, which is neutral and non-polar, at codon 469 of the CASR protein (p.Phe469Val). ClinVar contains an entry for this variant (Variation ID: 1771896). This variant has not been reported in the literature in individuals affected with CASR-related conditions. An algorithm developed to predict the effect of missense changes on protein structure and function (PolyPhen-2) suggests that this variant is likely to be disruptive. In summary, the available evidence is currently insufficient to determine the role of this variant in disease. Therefore, it has been classified as a Variant of Uncertain Significance.

Ambry Genetics
Classification: Uncertain significance for Nephrolithiasis/nephrocalcinosis. Last evaluated: 2022-05-12. Review status: criteria provided, single submitter. Criteria: Ambry Variant Classification Scheme 2023. Collection method: clinical testing. Allele origin: germline.
Comment: The p.F469V variant (also known as c.1405T>G), located in coding exon 4 of the CASR gene, results from a T to G substitution at nucleotide position 1405. The phenylalanine at codon 469 is replaced by valine, an amino acid with highly similar properties. This amino acid position is conserved. In addition, this alteration is predicted to be deleterious by in silico analysis. Since supporting evidence is limited at this time, the clinical significance of this alteration remains unclear.